The following is an entry in ClinVar:

NM_001457.4(FLNB):c.7462A>G (p.Ile2488Val)

Genes: FLNB (filamin B; plus strand), FLNB-AS1 (FLNB antisense RNA 1; minus strand). Cytogenetic location: 3p14.3.
Variant type: single nucleotide variant.
Coding change: c.7462A>G on transcript NM_001457.4 (MANE Select); coding-DNA position 7462, A replaced by G.
Protein change: p.Ile2488Val; replaces isoleucine 2488 with valine.
Molecular consequence: missense variant.
Genome position (GRCh38, 1-based): chr3:58,169,634, A>G. VCF-style: chr3-58169634-A-G. GRCh37 (hg19) VCF-style: chr3-58155361-A-G.
Other names: c.7555A>G, p.Ile2519Val (NM_001164317.2); c.7429A>G, p.Ile2477Val (NM_001164318.2); c.7390A>G, p.Ile2464Val (NM_001164319.2); short protein forms I2464V, I2477V, I2488V, I2519V.
Identifiers: ClinVar variation 5039946 (VCV005039946.1).

ClinVar aggregate classification (germline): Uncertain significance (1 of 4 stars; one submission).

Submission:

CeGaT Center for Human Genetics Tuebingen
Classification: Uncertain significance. Last evaluated: 2026-06-01. Review status: criteria provided, single submitter. Criteria: CeGaT Center For Human Genetics Tuebingen Variant Classification Criteria Version 2. Collection method: clinical testing. Allele origin: germline. Affected: yes. Observed: 1 variant allele.
Comment: FLNB: PM2, PM3:Supporting